The following is an entry in ClinVar:

NM_001271.4(CHD2):c.692+10A>G

Gene: CHD2 (chromodomain helicase DNA binding protein 2; plus strand). Cytogenetic location: 15q26.1.
Variant type: single nucleotide variant.
Coding change: c.692+10A>G on transcript NM_001271.4 (MANE Select); 10 bases into the intron after coding-DNA position 692, A replaced by G.
Molecular consequence: intron variant.
Genome position (GRCh38, 1-based): chr15:92,939,728, A>G. VCF-style: chr15-92939728-A-G. GRCh37 (hg19) VCF-style: chr15-93482958-A-G.
Other names: c.692+10A>G (NM_001042572.3).
Identifiers: ClinVar variation 930805 (VCV000930805.17), dbSNP rs370469675, ClinGen allele CA274868808.

ClinVar aggregate classification (germline): Conflicting classifications of pathogenicity. Review status: criteria provided, conflicting classifications (1 of 4 stars). 3 submissions from 3 submitters: Uncertain significance (1); Likely benign (2). Last evaluated 2024-07-03.

Conditions:
Developmental and epileptic encephalopathy 94 (DEE94). Also called: CHD2-Related Neurodevelopmental Disorders; Epileptic encephalopathy, childhood-onset. Identifiers: Orphanet 1942, Orphanet 2382, MedGen C3809278, MONDO:0014150, OMIM 615369.

Allele frequency attached by ClinVar (database versions not stated): gnomAD exomes below 0.00001; ESP Exome Variant Server 0.00008.
gnomAD v4.1: 4 of 1,611,374 alleles (0.00025%); highest among the groups gnomAD compares: South Asian, 0.0011%; no homozygotes.

Submissions (3):

Blueprint Genetics
Classification: Likely benign. Last evaluated: 2024-07-03. Review status: criteria provided, single submitter. Criteria: ACMG Guidelines, 2015. Collection method: clinical testing. Allele origin: germline.

Labcorp Genetics (formerly Invitae), Labcorp
Classification: Likely benign for Developmental and epileptic encephalopathy 94. Last evaluated: 2022-03-18. Review status: criteria provided, single submitter. Criteria: Invitae Variant Classification Sherloc (09022015). Collection method: clinical testing. Allele origin: germline.

Centre for Mendelian Genomics, University Medical Centre Ljubljana
Classification: Uncertain significance for Developmental and epileptic encephalopathy 94. Last evaluated: 2019-08-12. Review status: criteria provided, single submitter. Criteria: ACMG Guidelines, 2015. Collection method: clinical testing. Allele origin: unknown. Affected: yes.
Comment: This variant was classified as: Uncertain significance. The available evidence on this variant's pathogenicity is insufficient or conflicting. The following ACMG criteria were applied in classifying this variant: PM2,BP4.